The following is an entry in ClinVar:

ClinVar aggregate classification (germline): Uncertain significance. Review status: criteria provided, multiple submitters, no conflicts (2 of 4 stars). 2 submissions from 2 submitters: Uncertain significance (2). Last evaluated 2025-09-28.

Allele frequency attached by ClinVar (database versions not stated): ExAC 0.00002; gnomAD 0.00006 and 0.00007; gnomAD exomes 0.00006; TOPMed 0.00010.

Submissions (2):

Ambry Genetics
Classification: Uncertain significance. Last evaluated: 2025-09-28. Review status: criteria provided, single submitter. Criteria: Ambry Variant Classification Scheme 2023. Collection method: clinical testing. Allele origin: germline.

Labcorp Genetics (formerly Invitae), Labcorp
Classification: Uncertain significance. Last evaluated: 2024-10-15. Review status: criteria provided, single submitter. Criteria: Invitae Variant Classification Sherloc (09022015). Collection method: clinical testing. Allele origin: germline.
Comment: This sequence change replaces arginine, which is basic and polar, with glutamine, which is neutral and polar, at codon 1221 of the TAOK2 protein (p.Arg1221Gln). This variant is present in population databases (rs749828384, gnomAD 0.02%). This variant has not been reported in the literature in individuals affected with TAOK2-related conditions. ClinVar contains an entry for this variant (Variation ID: 1480104). An algorithm developed to predict the effect of missense changes on protein structure and function (PolyPhen-2) suggests that this variant is likely to be tolerated. In summary, the available evidence is currently insufficient to determine the role of this variant in disease. Therefore, it has been classified as a Variant of Uncertain Significance.

NM_016151.4(TAOK2):c.3662G>A (p.Arg1221Gln)

Gene: TAOK2 (TAO kinase 2; plus strand). Cytogenetic location: 16p11.2.
Variant type: single nucleotide variant.
Coding change: c.3662G>A on transcript NM_016151.4 (MANE Select); coding-DNA position 3662, G replaced by A.
Protein change: p.Arg1221Gln; replaces arginine 1221 with glutamine.
Molecular consequence: missense variant. On other transcripts: intron variant (1).
Genome position (GRCh38, 1-based): chr16:29,987,934, G>A. VCF-style: chr16-29987934-G-A. GRCh37 (hg19) VCF-style: chr16-29999255-G-A.
Other names: c.3662G>A (NM_016151.2); c.3323G>A, p.Arg1108Gln (NM_001252043.2); c.2232+1430G>A (NM_004783.4); short protein forms R1108Q, R1221Q.
Identifiers: ClinVar variation 1480104 (VCV001480104.7), dbSNP rs749828384, ClinGen allele CA7998622.